The following is an entry in ClinVar:

ClinVar aggregate classification (germline): Conflicting classifications of pathogenicity. Review status: criteria provided, conflicting classifications (1 of 4 stars). 11 submissions from 11 submitters: Uncertain significance (9); Likely benign (1). 1 of the submissions does not count toward it. Last evaluated 2026-01-28.

Conditions:
Hereditary cancer-predisposing syndrome. Also called: Hereditary Cancer Syndrome; Hereditary neoplastic syndrome; Neoplastic Syndromes, Hereditary; Tumor predisposition. Identifiers: Orphanet 140162, MedGen C0027672, MeSH D009386, MONDO:0015356.
Breast and/or ovarian cancer. Identifiers: MedGen CN221562.
Breast-ovarian cancer, familial, susceptibility to, 1 (BROVCA1). Also called: BRCA1 Hereditary Breast and Ovarian Cancer; OVARIAN CANCER, SUSCEPTIBILITY TO. Identifiers: Orphanet 145, MedGen C2676676, MONDO:0011450, OMIM 604370. Disease mechanism: loss of function.
Hereditary breast ovarian cancer syndrome. Also called: BRCA1- and BRCA2-Associated Hereditary Breast and Ovarian Cancer; Hereditary breast and ovarian cancer syndrome; Hereditary breast and ovarian cancer syndrome (HBOC); Breast and ovarian cancer; Hereditary breast and/or ovarian cancer syndrome; Hereditary breast and ovarian cancer. Identifiers: Orphanet 145, MedGen C0677776, MeSH D061325, MONDO:0003582. Disease mechanism: loss of function.

Allele frequency attached by ClinVar (database versions not stated): TOPMed 0.00001.
gnomAD v4.1: 19 of 1,613,642 alleles (0.0012%); highest among the groups gnomAD compares: Non-Finnish European, 0.0014%; no homozygotes.

Submissions (11):

Labcorp Genetics (formerly Invitae), Labcorp
Classification: Uncertain significance for Hereditary breast ovarian cancer syndrome. Last evaluated: 2026-01-28. Review status: criteria provided, single submitter. Criteria: Invitae Variant Classification Sherloc (09022015). Collection method: clinical testing. Allele origin: germline.
Comment: This sequence change replaces glutamine, which is neutral and polar, with glutamic acid, which is acidic and polar, at codon 780 of the BRCA1 protein (p.Gln780Glu). This variant is not present in population databases (gnomAD no frequency). This variant has not been reported in the literature in individuals affected with BRCA1-related conditions. ClinVar contains an entry for this variant (Variation ID: 91584). Invitae Evidence Modeling of protein sequence and biophysical properties (such as structural, functional, and spatial information, amino acid conservation, physicochemical variation, residue mobility, and thermodynamic stability) has been performed for this missense variant. However, the output from this modeling did not meet the statistical confidence thresholds required to predict the impact of this variant on BRCA1 protein function. In summary, the available evidence is currently insufficient to determine the role of this variant in disease. Therefore, it has been classified as a Variant of Uncertain Significance.

Color Diagnostics, LLC DBA Color Health
Classification: Uncertain significance for Hereditary cancer-predisposing syndrome. Last evaluated: 2025-07-10. Review status: criteria provided, single submitter. Criteria: ACMG Guidelines, 2015. Collection method: clinical testing. Allele origin: germline.
Comment: This missense variant replaces glutamine with glutamic acid at codon 780 of the BRCA1 protein. Computational prediction is inconclusive regarding the impact of this variant on protein structure and function. To our knowledge, functional studies have not been reported for this variant. This variant has been detected in a breast cancer case-control meta-analysis in 1/60466 cases and 0/53461 unaffected individuals (PMID: 33471991Leiden Open Variation Database DB-ID BRCA1_006422), and this variant has been detected in 1 individual older than age 70 years who has never had cancer (FLOSSIES database). Multifactorial analysis has reached a combined likelihood ratio (LR) of 0.3853 based on reported LR for co-occurrence with a pathogenic variant and the personal and family history for one carrier (PMID: 31131967, 31853058). This variant has not been identified in the general population by the Genome Aggregation Database (gnomAD). The available evidence is insufficient to determine the role of this variant in disease conclusively. Therefore, this variant is classified as a Variant of Uncertain Significance.

Ambry Genetics
Classification: Uncertain significance for Hereditary cancer-predisposing syndrome. Last evaluated: 2024-02-13. Review status: criteria provided, single submitter. Criteria: Ambry Variant Classification Scheme 2023. Collection method: clinical testing. Allele origin: germline.
Comment: The p.Q780E variant (also known as c.2338C>G), located in coding exon 9 of the BRCA1 gene, results from a C to G substitution at nucleotide position 2338. The glutamine at codon 780 is replaced by glutamic acid, an amino acid with highly similar properties. This amino acid position is highly conserved in available vertebrate species. In addition, the in silico prediction for this alteration is inconclusive. Based on the available evidence, the clinical significance of this alteration remains unclear.

All of Us Research Program, National Institutes of Health
Classification: Uncertain significance for Breast-ovarian cancer, familial, susceptibility to, 1. Last evaluated: 2024-02-05. Review status: criteria provided, single submitter. Criteria: ACMG Guidelines, 2015. Collection method: clinical testing. Allele origin: germline. Inheritance: Autosomal dominant inheritance. Observed: 4 variant alleles, 4 heterozygotes.
Comment: This missense variant replaces glutamine with glutamic acid at codon 780 of the BRCA1 protein. Computational prediction is inconclusive regarding the impact of this variant on protein structure and function (internally defined REVEL score threshold 0.5 < inconclusive < 0.7, PMID: 27666373). To our knowledge, functional studies have not been reported for this variant. This variant has been detected in a breast cancer case-control meta-analysis in 1/60466 cases and 0/53461 unaffected individuals (PMID: 33471991; Leiden Open Variation Database DB-ID BRCA1_006422), and it has been reported in a multifactorial analysis with likelihood ratios for pathogenicity based on co-occurrence with a pathogenic covariant and family history of 1.0672791574 and 0.76607415283, respectively (PMID: 31131967). This variant has not been identified in the general population by the Genome Aggregation Database (gnomAD). The available evidence is insufficient to determine the role of this variant in disease conclusively. Therefore, this variant is classified as a Variant of Uncertain Significance.

This study involves interpretation of variants in research participants for the purpose of population health screening. Participant phenotype was not available at the time of variant classification. Additional details can be found in publication PMID: 35346344, PMCID: PMC8962531

University of Washington Department of Laboratory Medicine, University of Washington
Classification: Likely benign for Hereditary cancer-predisposing syndrome. Last evaluated: 2023-03-23. Review status: criteria provided, single submitter. Criteria: Dines et al. (Genet Med. 2020). Collection method: curation. Allele origin: germline.
Comment: Missense variant in a coldspot region where missense variants are very unlikely to be pathogenic (PMID:31911673).

BRCA1 coldspot (exon 11 using historical exon numbering). Reclassification based on statistical prior probability

GeneDx
Classification: Uncertain significance. Last evaluated: 2023-03-05. Review status: criteria provided, single submitter. Criteria: GeneDx Variant Classification Process June 2021. Collection method: clinical testing. Allele origin: germline. Affected: yes.
Comment: Not observed at significant frequency in large population cohorts (gnomAD); In silico analysis supports that this missense variant has a deleterious effect on protein structure/function; Has not been previously published as pathogenic or benign to our knowledge; Also known as 2457C>G; This variant is associated with the following publications: (PMID: 31131967, 15343273)

Quest Diagnostics Nichols Institute San Juan Capistrano
Classification: Uncertain significance. Last evaluated: 2019-11-25. Review status: criteria provided, single submitter. Criteria: Quest Diagnostics criteria. Collection method: clinical testing. Allele origin: unknown.

Women's Health and Genetics/Laboratory Corporation of America, LabCorp
Classification: Uncertain significance. Last evaluated: 2019-03-31. Review status: criteria provided, single submitter. Criteria: LabCorp Variant Classification Summary - May 2015. Collection method: clinical testing. Allele origin: germline.
Comment: Variant summary: BRCA1 c.2338C>G (p.Gln780Glu) results in a conservative amino acid change in the encoded protein sequence. Three of five in-silico tools predict a damaging effect of the variant on protein function. The variant was absent in 245516 control chromosomes (gnomAD). The available data on variant occurrences in the general population are insufficient to allow any conclusion about variant significance. To our knowledge, no occurrence of c.2338C>G in individuals affected with Hereditary Breast and Ovarian Cancer and no experimental evidence demonstrating its impact on protein function have been reported. Five clinical diagnostic laboratories have submitted clinical-significance assessments for this variant to ClinVar after 2014 without evidence for independent evaluation. All laboratories classified the variant as uncertain significance. Based on the evidence outlined above, the variant was classified as uncertain significance.

Institute for Biomarker Research, Medical Diagnostic Laboratories, L.L.C.
Classification: Uncertain significance for Hereditary cancer-predisposing syndrome. Last evaluated: 2018-05-23. Review status: criteria provided, single submitter. Criteria: ACMG Guidelines, 2015. Collection method: clinical testing. Allele origin: germline.

CHEO Genetics Diagnostic Laboratory, Children's Hospital of Eastern Ontario
Classification: Uncertain significance for Breast and/or ovarian cancer. Last evaluated: 2016-12-23. Review status: criteria provided, single submitter. Criteria: ACMG Guidelines, 2015. Collection method: clinical testing. Allele origin: germline. Study: Canadian Open Genetics Repository.

Sharing Clinical Reports Project (SCRP)
Classification: Uncertain significance for Breast-ovarian cancer, familial 1. Last evaluated: 2011-11-22. Review status: no assertion criteria provided. Collection method: clinical testing. Allele origin: germline. Not counted in ClinVar's aggregate classification.

Literature cited by the submitters: PubMed 31131967 (cited by Color Diagnostics, LLC DBA Color Health and All of Us Research Program, National Institutes of Health); PubMed 31853058 (cited by Color Diagnostics, LLC DBA Color Health); PubMed 33471991 (cited by Color Diagnostics, LLC DBA Color Health and All of Us Research Program, National Institutes of Health).

NM_007294.4(BRCA1):c.2338C>G (p.Gln780Glu)

Gene: BRCA1 (BRCA1 DNA repair associated; minus strand). Cytogenetic location: 17q21.31.
Variant type: single nucleotide variant.
Coding change: c.2338C>G on transcript NM_007294.4 (MANE Select); coding-DNA position 2338, C replaced by G.
Protein change: p.Gln780Glu; replaces glutamine 780 with glutamic acid.
Molecular consequence: missense variant. On other transcripts: intron variant (137).
Genome position (GRCh38, 1-based): chr17:43,093,193, G>C on the plus strand (C>G on the coding strand, the complement: BRCA1 is on the minus strand). VCF-style: chr17-43093193-G-C. GRCh37 (hg19) VCF-style: chr17-41245210-G-C.
Other names: 2457C>G; c.787+1551C>G (NM_001407982.1, NM_001407970.1, NM_001407980.1 and 17 more transcripts); c.2125C>G, p.Gln709Glu (NM_001407571.1, NM_001407896.1, NM_001407897.1 and 9 more transcripts); c.2338C>G, p.Gln780Glu (NM_001407581.1, NM_001407582.1, NM_001407583.1 and 30 more transcripts); c.2335C>G, p.Gln779Glu (NM_001407587.1, NM_001407590.1, NM_001407591.1 and 22 more transcripts); c.2329C>G, p.Gln777Glu (NM_001407646.1, NM_001407647.1); c.2215C>G, p.Gln739Glu (NM_001407648.1, NM_001407666.1, NM_001407667.1 and 19 more transcripts); c.2212C>G, p.Gln738Glu (NM_001407649.1, NM_001407670.1, NM_001407671.1 and 11 more transcripts); and 42 more; short protein forms Q780E, Q733E, Q612E, Q652E, Q710E, Q713E, Q739E, Q779E.
Identifiers: ClinVar variation 91584 (VCV000091584.28), dbSNP rs80356945, ClinGen allele CA001562.
Genomic context (GRCh38, chr17:43,093,193, plus strand): 5'-TATTTGGTTCTGTTTTTGCCTTCCCTAGAGTGCTAACTTCCAGTAACGAGATACTTTCCT[G>C]AGTGCCATAATCAGTACCAGGTACCAATGAAATACTGCTACTCTCTACAGATCTTTCAGT-3'
Protein context (NP_009225.1, residues 770-790): SLVPGTDYGT[Gln780Glu]ESISLLEVST